The following is an entry in ClinVar:

ClinVar aggregate classification (germline): Uncertain significance. Review status: criteria provided, multiple submitters, no conflicts (2 of 4 stars). 3 submissions from 3 submitters: Uncertain significance (3). Last evaluated 2026-03-12.

Conditions:
Familial adenomatous polyposis 1 (FAP1). Also called: FAMILIAL ADENOMATOUS POLYPOSIS 1, ATTENUATED; POLYPOSIS, ADENOMATOUS INTESTINAL. Identifiers: MedGen C2713442, MONDO:0021056, OMIM 175100. Disease mechanism: loss of function.
Hereditary cancer-predisposing syndrome. Also called: Tumor predisposition; Hereditary Cancer Syndrome; Neoplastic Syndromes, Hereditary; Hereditary neoplastic syndrome. Identifiers: Orphanet 140162, MedGen C0027672, MeSH D009386, MONDO:0015356.

Submissions (3):

Ambry Genetics
Classification: Uncertain significance for Hereditary cancer-predisposing syndrome. Last evaluated: 2026-03-12. Review status: criteria provided, single submitter. Criteria: Ambry Variant Classification Scheme 2023. Collection method: clinical testing. Allele origin: germline.
Comment: The p.E1891D variant (also known as c.5673G>T), located in coding exon 15 of the APC gene, results from a G to T substitution at nucleotide position 5673. The glutamic acid at codon 1891 is replaced by aspartic acid, an amino acid with highly similar properties. This amino acid position is conserved. In addition, in silico predictors for this gene do not accurately predict pathogenicity. Based on the available evidence, the clinical significance of this variant remains unclear.

Color Diagnostics, LLC DBA Color Health
Classification: Uncertain significance for Hereditary cancer-predisposing syndrome. Last evaluated: 2024-03-06. Review status: criteria provided, single submitter. Criteria: ACMG Guidelines, 2015. Collection method: clinical testing. Allele origin: germline.
Comment: This missense variant replaces glutamic acid with aspartic acid at codon 1891 of the APC protein. Computational prediction suggests that this variant may not impact protein structure and function (internally defined REVEL score threshold <= 0.5, PMID: 27666373). To our knowledge, functional studies have not been reported for this variant. This variant has not been reported in individuals affected with hereditary cancer in the literature. This variant has not been identified in the general population by the Genome Aggregation Database (gnomAD). The available evidence is insufficient to determine the role of this variant in disease conclusively. Therefore, this variant is classified as a Variant of Uncertain Significance.

Labcorp Genetics (formerly Invitae), Labcorp
Classification: Uncertain significance for Familial adenomatous polyposis 1. Last evaluated: 2023-07-10. Review status: criteria provided, single submitter. Criteria: Invitae Variant Classification Sherloc (09022015). Collection method: clinical testing. Allele origin: germline.
Comment: This variant is not present in population databases (gnomAD no frequency). This sequence change replaces glutamic acid, which is acidic and polar, with aspartic acid, which is acidic and polar, at codon 1891 of the APC protein (p.Glu1891Asp). This variant has not been reported in the literature in individuals affected with APC-related conditions. In summary, the available evidence is currently insufficient to determine the role of this variant in disease. Therefore, it has been classified as a Variant of Uncertain Significance. Advanced modeling of protein sequence and biophysical properties (such as structural, functional, and spatial information, amino acid conservation, physicochemical variation, residue mobility, and thermodynamic stability) performed at Invitae indicates that this missense variant is not expected to disrupt APC protein function. ClinVar contains an entry for this variant (Variation ID: 490313).

NM_000038.6(APC):c.5673G>T (p.Glu1891Asp)

Gene: APC (APC regulator of Wnt signaling pathway; plus strand). Cytogenetic location: 5q22.2.
Variant type: single nucleotide variant.
Coding change: c.5673G>T on transcript NM_000038.6 (MANE Select); coding-DNA position 5673, G replaced by T.
Protein change: p.Glu1891Asp; replaces glutamic acid 1891 with aspartic acid.
Molecular consequence: missense variant.
Genome position (GRCh38, 1-based): chr5:112,841,267, G>T. VCF-style: chr5-112841267-G-T. GRCh37 (hg19) VCF-style: chr5-112176964-G-T.
Other names: c.5673G>T, p.Glu1891Asp (NM_001127510.3, NM_001354895.2); c.5619G>T, p.Glu1873Asp (NM_001127511.3); c.5727G>T, p.Glu1909Asp (NM_001354896.2); c.5703G>T, p.Glu1901Asp (NM_001354897.2); c.5598G>T, p.Glu1866Asp (NM_001354898.2); c.5589G>T, p.Glu1863Asp (NM_001354899.2); c.5550G>T, p.Glu1850Asp (NM_001354900.2); c.5496G>T, p.Glu1832Asp (NM_001354901.2); and 5 more; short protein forms E1873D, E1891D, E1909D, E1608D, E1731D, E1765D, E1790D, E1832D.
Identifiers: ClinVar variation 490313 (VCV000490313.17), dbSNP rs1554086868, ClinGen allele CA16033756.